The following is an entry in ClinVar:

NM_018062.4(FANCL):c.308C>T (p.Ala103Val)

Gene: FANCL (FA complementation group L; minus strand). Cytogenetic location: 2p16.1.
Variant type: single nucleotide variant.
Coding change: c.308C>T on transcript NM_018062.4 (MANE Select); coding-DNA position 308, C replaced by T.
Protein change: p.Ala103Val; replaces alanine 103 with valine.
Molecular consequence: missense variant.
Genome position (GRCh38, 1-based): chr2:58,222,008, G>A on the plus strand (C>T on the coding strand, the complement: FANCL is on the minus strand). VCF-style: chr2-58222008-G-A. GRCh37 (hg19) VCF-style: chr2-58449143-G-A.
Other names: c.308C>T, p.Ala103Val (NM_001114636.2, NM_001374615.1, NM_001410792.1); short protein forms A103V.
Identifiers: ClinVar variation 1410730 (VCV001410730.3), dbSNP rs746623168, ClinGen allele CA347034506.

ClinVar aggregate classification (germline): Uncertain significance (1 of 4 stars; one submission).

Conditions:
Fanconi anemia (FA). Also called: Fanconi's anemia. Identifiers: Orphanet 84, MedGen C0015625, MeSH D005199, MONDO:0019391.

Submission:

Labcorp Genetics (formerly Invitae), Labcorp
Classification: Uncertain significance for Fanconi anemia. Last evaluated: 2021-09-30. Review status: criteria provided, single submitter. Criteria: Invitae Variant Classification Sherloc (09022015). Collection method: clinical testing. Allele origin: germline.
Comment: This sequence change replaces alanine with valine at codon 103 of the FANCL protein (p.Ala103Val). The alanine residue is weakly conserved and there is a small physicochemical difference between alanine and valine. This variant is not present in population databases (ExAC no frequency). This variant has not been reported in the literature in individuals affected with FANCL-related conditions. Algorithms developed to predict the effect of missense changes on protein structure and function output the following: SIFT: "Tolerated"; PolyPhen-2: "Benign"; Align-GVGD: "Class C0". The valine amino acid residue is found in multiple mammalian species, which suggests that this missense change does not adversely affect protein function. In summary, the available evidence is currently insufficient to determine the role of this variant in disease. Therefore, it has been classified as a Variant of Uncertain Significance.